The following is an entry in ClinVar:

ClinVar aggregate classification (germline): Uncertain significance (1 of 4 stars; one submission).

Conditions:
Hypokalemic periodic paralysis, type 1. Also called: Hypokalemic Periodic Paralysis Type 1 (AD); HypoPP. Identifiers: Orphanet 681, MedGen C3714580, MONDO:0042979, OMIM 170400.
Malignant hyperthermia, susceptibility to, 5 (MHS5). Also called: CACNA1S-Related Malignant Hyperthermia Susceptibility. Identifiers: Orphanet 423, MedGen C1866077, MONDO:0011163, OMIM 601887.

Submission:

Labcorp Genetics (formerly Invitae), Labcorp
Classification: Uncertain significance for Hypokalemic periodic paralysis, type 1; Malignant hyperthermia, susceptibility to, 5. Last evaluated: 2024-11-03. Review status: criteria provided, single submitter. Criteria: Invitae Variant Classification Sherloc (09022015). Collection method: clinical testing. Allele origin: germline.
Comment: This sequence change replaces histidine, which is basic and polar, with leucine, which is neutral and non-polar, at codon 996 of the CACNA1S protein (p.His996Leu). This variant is not present in population databases (gnomAD no frequency). This variant has not been reported in the literature in individuals affected with CACNA1S-related conditions. Invitae Evidence Modeling of protein sequence and biophysical properties (such as structural, functional, and spatial information, amino acid conservation, physicochemical variation, residue mobility, and thermodynamic stability) indicates that this missense variant is not expected to disrupt CACNA1S protein function with a negative predictive value of 95%. In summary, the available evidence is currently insufficient to determine the role of this variant in disease. Therefore, it has been classified as a Variant of Uncertain Significance.

NM_000069.3(CACNA1S):c.2987A>T (p.His996Leu)

Gene: CACNA1S (calcium voltage-gated channel subunit alpha1 S; minus strand). Cytogenetic location: 1q32.1.
Variant type: single nucleotide variant.
Coding change: c.2987A>T on transcript NM_000069.3 (MANE Select); coding-DNA position 2987, A replaced by T.
Protein change: p.His996Leu; replaces histidine 996 with leucine.
Molecular consequence: missense variant.
Genome position (GRCh38, 1-based): chr1:201,062,010, T>A on the plus strand (A>T on the coding strand, the complement: CACNA1S is on the minus strand). VCF-style: chr1-201062010-T-A. GRCh37 (hg19) VCF-style: chr1-201031138-T-A.
Other names: short protein forms H996L.
Identifiers: ClinVar variation 3759010 (VCV003759010.2).